The following is an entry in ClinVar:

ClinVar aggregate classification (germline): Likely pathogenic (1 of 4 stars; one submission).

Submission:

GeneDx
Classification: Likely pathogenic. Last evaluated: 2018-01-18. Review status: criteria provided, single submitter. Criteria: GeneDx Variant Classification (06012015). Collection method: clinical testing. Allele origin: germline. Affected: yes.
Comment: The W18X variant has not been reported previously as a pathogenic variant nor as a benign variant, to our knowledge. This variant is predicted to cause loss of normal protein function either through protein truncation or nonsense-mediated mRNA decay. The W18X variant is not observed in large population cohorts (Lek et al., 2016).

NM_005901.6(SMAD2):c.53G>A (p.Trp18Ter)

Gene: SMAD2 (SMAD family member 2; minus strand). Cytogenetic location: 18q21.1.
Variant type: single nucleotide variant.
Coding change: c.53G>A on transcript NM_005901.6 (MANE Select); coding-DNA position 53, G replaced by A.
Protein change: p.Trp18Ter; replaces tryptophan 18 with a stop codon.
Molecular consequence: nonsense.
Genome position (GRCh38, 1-based): chr18:47,896,704, C>T on the plus strand (G>A on the coding strand, the complement: SMAD2 is on the minus strand). VCF-style: chr18-47896704-C-T. GRCh37 (hg19) VCF-style: chr18-45423075-C-T.
Other names: c.53G>A, p.Trp18Ter (NM_001003652.4, NM_001135937.3); short protein forms W18*.
Identifiers: ClinVar variation 489354 (VCV000489354.2), dbSNP rs1555658568, ClinGen allele CA402503551.